The following continues an entry in ClinVar:

NM_000070.3(CAPN3):c.1505T>C (p.Ile502Thr)

Gene: CAPN3. ClinVar aggregate classification (germline): Likely pathogenic. Likely pathogenic (1).

Submissions 6 to 16 of 16:

Ambry Genetics
Classification: Likely pathogenic for Inborn genetic diseases. Last evaluated: 2025-09-30. Review status: criteria provided, single submitter. Criteria: Ambry Variant Classification Scheme 2023. Collection method: clinical testing. Allele origin: germline. Not counted in ClinVar's aggregate classification.
Comment: The c.1505T>C (p.I502T) alteration is located in exon 11 (coding exon 11) of the CAPN3 gene. This alteration results from a T to C substitution at nucleotide position 1505, causing the isoleucine (I) at amino acid position 502 to be replaced by a threonine (T). for autosomal recessive CAPN3-related limb-girdle muscular dystrophy; however, its clinical significance for autosomal dominant CAPN3-related limb-girdle muscular dystrophy is uncertain. Based on data from gnomAD, the C allele has an overall frequency of 0.015% (41/281562) total alleles studied. The highest observed frequency was 0.026% (33/128494) of European (non-Finnish) alleles. This variant has been identified in the homozygous state and/or in conjunction with other CAPN3 variant(s) in individual(s) with features consistent with autosomal recessive CAPN3-related limb-girdle muscular dystrophy; in at least one instance, the variants were identified in trans (Richard, 1999; Nallamilli, 2018; Ten Dam, 2019; Barp, 2020; Becker, 2022). This amino acid position is highly conserved in available vertebrate species. This alteration is predicted to be deleterious by in silico analysis. Based on the available evidence, this alteration is classified as likely pathogenic.

GeneDx
Classification: Likely pathogenic. Last evaluated: 2025-06-23. Review status: criteria provided, single submitter. Criteria: GeneDx Variant Classification Process June 2021. Collection method: clinical testing. Allele origin: germline. Affected: yes. Not counted in ClinVar's aggregate classification.
Comment: In silico analysis supports that this missense variant has a deleterious effect on protein structure/function; This variant is associated with the following publications: (PMID: 22926650, 26810512, 10330340, 30564623, 30919934, 32994280, 31555977, 35734998, 18337726, 17562833, 39258114, 38494715)

Blueprint Genetics
Classification: Uncertain significance. Last evaluated: 2024-09-06. Review status: criteria provided, single submitter. Criteria: ACMG Guidelines, 2015. Collection method: clinical testing. Allele origin: germline. Not counted in ClinVar's aggregate classification.

Fulgent Genetics
Classification: Likely pathogenic for Autosomal recessive limb-girdle muscular dystrophy type 2A; Muscular dystrophy, limb-girdle, autosomal dominant 4. Last evaluated: 2024-06-21. Review status: criteria provided, single submitter. Criteria: ACMG Guidelines, 2015. Collection method: clinical testing. Allele origin: germline. Not counted in ClinVar's aggregate classification.

Revvity Omics, Revvity
Classification: Likely pathogenic. Last evaluated: 2024-03-27. Review status: criteria provided, single submitter. Criteria: ACMG Guidelines, 2015. Collection method: clinical testing. Allele origin: germline. Not counted in ClinVar's aggregate classification.

Baylor Genetics
Classification: Likely pathogenic for Muscular dystrophy, limb-girdle, autosomal dominant 4. Last evaluated: 2024-03-14. Review status: criteria provided, single submitter. Criteria: ACMG Guidelines, 2015. Collection method: clinical testing. Allele origin: unknown. Not counted in ClinVar's aggregate classification.

CeGaT Center for Human Genetics Tuebingen
Classification: Likely pathogenic. Last evaluated: 2023-08-01. Review status: criteria provided, single submitter. Criteria: CeGaT Center For Human Genetics Tuebingen Variant Classification Criteria Version 2. Collection method: clinical testing. Allele origin: germline. Affected: yes. Observed: 1 variant allele. Not counted in ClinVar's aggregate classification.
Comment: CAPN3: PM1, PM5, PM2:Supporting, PP3

Athena Diagnostics
Classification: Likely pathogenic. Last evaluated: 2018-08-27. Review status: criteria provided, single submitter. Criteria: Athena Diagnostics Criteria. Collection method: clinical testing. Allele origin: germline. Not counted in ClinVar's aggregate classification.
Comment: The best available variant frequency is uninformative because it is below the disease allele frequency. Found in at least one symptomatic patient. Predicted to have a damaging effect on the protein. Occurs in three or more cases with a recessive pathogenic variant in the same gene.

Eurofins Ntd Llc (ga)
Classification: Uncertain significance. Last evaluated: 2018-05-17. Review status: criteria provided, single submitter. Criteria: EGL ClinVar v180209 classification definitions. Collection method: clinical testing. Allele origin: germline. Observed: 11 variant alleles, 11 heterozygotes. Not counted in ClinVar's aggregate classification.

PreventionGenetics, part of Exact Sciences
Classification: Likely pathogenic for CAPN3-related condition. Last evaluated: 2024-05-31. Review status: no assertion criteria provided. Collection method: clinical testing. Allele origin: germline. Not counted in ClinVar's aggregate classification.
Comment: The CAPN3 c.1505T>C variant is predicted to result in the amino acid substitution p.Ile502Thr. This variant was reported along with a second known pathogenic CAPN3 variant in multiple individuals with a limb-girdle muscular dystrophy (LGMD) phenotype (van der Kooi AJ et al 2007. PubMed ID: 17562833, E-Table 1; Nallamilli BRR et al 2018. PubMed ID: 30564623; Ten Dam L et al 2019. PubMed ID: 30919934, Supplementary Table 1). It was also reported in an individual with a confirmed calpainopathy based on tissue pathology and Western blot analysis. No second CAPN3 variant was identified in that patient, who was was described as more mildly affected (Luo SS et al 2012. PubMed ID: 22926650). The c.1505T>C (p.Ile502Thr) variant was also reported along with a second rare CAPN3 variant in a patient with rhabdomyolysis (Lahoria R et al 2015. PubMed ID: 26810512). An alternate substitution at the same amino acid was also reported in a patient with suspected LGMD (Duno M et al 2008. PubMed ID: 18337726). CAPN3 expression was reported to be severely reduced in patients with either the p.Ile502Thr or p.Ile502Ser substitutions and a second CAPN3 variant (van der Kooi AJ et al 2007. PubMed ID: 17562833; Duno M et al 2008. PubMed ID: 18337726). This variant is reported in 0.026% of alleles in individuals of European (Non-Finnish) descent in gnomAD. This variant is entered in ClinVar with conflicting interpretations of uncertain and likely pathogenic. Based on the collective evidence, we interpret this variant as likely pathogenic.

Counsyl
Classification: Uncertain significance for Autosomal recessive limb-girdle muscular dystrophy type 2A. Last evaluated: 2018-03-20. Review status: no assertion criteria provided. Collection method: clinical testing. Allele origin: unknown. Not counted in ClinVar's aggregate classification.

Literature cited by the submitters: PubMed 30564623 (cited by 3 submitters); PubMed 31555977 (cited by 3 submitters); PubMed 30919934 (cited by 5 submitters); PubMed 10330340 (cited by 5 submitters); PubMed 26810512 (cited by 5 submitters); PubMed 35135626 (cited by 3 submitters); PubMed 18337726 (cited by Victorian Clinical Genetics Services, Murdoch Childrens Research Institute and Labcorp Genetics (formerly Invitae), Labcorp); PubMed 32342993 (cited by Victorian Clinical Genetics Services, Murdoch Childrens Research Institute); PubMed 35734998 (cited by Victorian Clinical Genetics Services, Murdoch Childrens Research Institute and Natera, Inc.); PubMed 22926650 (cited by 4 submitters); PubMed 27259757 (cited by Victorian Clinical Genetics Services, Murdoch Childrens Research Institute); PubMed 31066050 (cited by Victorian Clinical Genetics Services, Murdoch Childrens Research Institute); PubMed 28881388 (cited by Victorian Clinical Genetics Services, Murdoch Childrens Research Institute); PubMed 17562833 (cited by Athena Diagnostics and Counsyl).